The following is an entry in ClinVar:

NM_002906.4(RDX):c.766G>C (p.Val256Leu)

Gene: RDX (radixin; minus strand). Cytogenetic location: 11q22.3.
Variant type: single nucleotide variant.
Coding change: c.766G>C on transcript NM_002906.4 (MANE Select); coding-DNA position 766, G replaced by C.
Protein change: p.Val256Leu; replaces valine 256 with leucine.
Genome position (GRCh38, 1-based): chr11:110,255,318, C>G on the plus strand (G>C on the coding strand, the complement: RDX is on the minus strand). VCF-style: chr11-110255318-C-G. GRCh37 (hg19) VCF-style: chr11-110126043-C-G.
Other names: c.766G>C, p.Val256Leu (NM_001260492.2, NM_001260493.2); c.358G>C, p.Val120Leu (NM_001260494.2); c.-82-7485G>C (NM_001260495.2); c.404+2839G>C (NM_001260496.2); short protein forms V120L, V256L.
Identifiers: ClinVar variation 1691806 (VCV001691806.4), dbSNP rs771731527, ClinGen allele CA6270221.

ClinVar aggregate classification (germline): Uncertain significance. Review status: criteria provided, multiple submitters, no conflicts (2 of 4 stars). 2 submissions from 2 submitters: Uncertain significance (2). Last evaluated 2026-07-27.

Conditions:
Inborn genetic diseases. Identifiers: MedGen C0950123, MeSH D030342.

Allele frequency attached by ClinVar (database versions not stated): TOPMed below 0.00001; ExAC 0.00001; gnomAD 0.00001; gnomAD exomes below 0.00001.

Submissions (2):

GeneDx
Classification: Uncertain significance. Last evaluated: 2026-07-27. Review status: criteria provided, single submitter. Criteria: GeneDx Variant Classification Process June 2021. Collection method: clinical testing. Allele origin: germline.
Comment: Not observed at significant frequency in large population cohorts (gnomAD); In silico analysis suggests that this missense variant does not alter protein structure/function; Has not been previously published as pathogenic or benign to our knowledge

Ambry Genetics
Classification: Uncertain significance for Inborn genetic diseases. Last evaluated: 2025-04-29. Review status: criteria provided, single submitter. Criteria: Ambry Variant Classification Scheme 2023. Collection method: clinical testing. Allele origin: germline.